The following is an entry in ClinVar:

NM_000384.3(APOB):c.12126G>T (p.Glu4042Asp)

Gene: APOB (apolipoprotein B; minus strand). Cytogenetic location: 2p24.1.
Variant type: single nucleotide variant.
Coding change: c.12126G>T on transcript NM_000384.3 (MANE Select); coding-DNA position 12126, G replaced by T.
Protein change: p.Glu4042Asp; replaces glutamic acid 4042 with aspartic acid.
Molecular consequence: missense variant.
Genome position (GRCh38, 1-based): chr2:21,003,296, C>A on the plus strand (G>T on the coding strand, the complement: APOB is on the minus strand). VCF-style: chr2-21003296-C-A. GRCh37 (hg19) VCF-style: chr2-21226168-C-A.
Other names: p.Glu4042Asp; c.12126G>T (NM_000384.2); short protein forms E4042D.
Identifiers: ClinVar variation 2938304 (VCV002938304.6), dbSNP rs1663043306, ClinGen allele CA345972679.

ClinVar aggregate classification (germline): Uncertain significance. Review status: criteria provided, multiple submitters, no conflicts (2 of 4 stars). 3 submissions from 3 submitters: Uncertain significance (3). Last evaluated 2026-09-11.

Conditions:
Familial hypobetalipoproteinemia 1. Also called: APOB-Related Familial Hypobetalipoproteinemia; Hypobetalipoproteinemia, normotriglyceridemic; Acanthocytosis with hypobetalipoproteinemia. Identifiers: MedGen C4551990, MONDO:0014252, OMIM 615558.
Hypercholesterolemia, autosomal dominant, type B (FHCL2). Also called: Familial hypercholesterolemia 2; Hyperlipoproteinemia Type IIb; Familial Hypercholesterolemia Type B; APOB-Related Familial Hypercholesterolemia, Autosomal Dominant; APOLIPOPROTEIN B-100, FAMILIAL DEFECTIVE; APOLIPOPROTEIN B-100, FAMILIAL LIGAND-DEFECTIVE. Identifiers: MedGen C1704417, MONDO:0007751, OMIM 144010.
Cardiovascular phenotype. Identifiers: MedGen CN230736.

Allele frequency attached by ClinVar (database versions not stated): gnomAD 0.00001.
gnomAD v4.1: 9 of 1,613,380 alleles (0.00056%); highest among the groups gnomAD compares: African/African-American, 0.0013%; no homozygotes.

Submissions (3):

Ambry Genetics
Classification: Uncertain significance for Cardiovascular phenotype. Last evaluated: 2026-09-11. Review status: criteria provided, single submitter. Criteria: Ambry Variant Classification Scheme 2023. Collection method: clinical testing. Allele origin: germline.
Comment: The p.E4042D variant (also known as c.12126G>T), located in coding exon 29 of the APOB gene, results from a G to T substitution at nucleotide position 12126. The glutamic acid at codon 4042 is replaced by aspartic acid, an amino acid with highly similar properties. This amino acid position is conserved. In addition, this alteration is predicted to be tolerated by in silico analysis. Based on the available evidence, the clinical significance of this variant remains unclear.

Mayo Clinic Laboratories, Mayo Clinic
Classification: Uncertain significance. Last evaluated: 2023-12-19. Review status: criteria provided, single submitter. Criteria: ACMG Guidelines, 2015. Collection method: clinical testing. Allele origin: germline. Observed: 1 variant allele.
Comment: BP4, PM2

Labcorp Genetics (formerly Invitae), Labcorp
Classification: Uncertain significance for Familial hypobetalipoproteinemia 1; Hypercholesterolemia, autosomal dominant, type B. Last evaluated: 2023-02-15. Review status: criteria provided, single submitter. Criteria: Invitae Variant Classification Sherloc (09022015). Collection method: clinical testing. Allele origin: germline.
Comment: This sequence change replaces glutamic acid, which is acidic and polar, with aspartic acid, which is acidic and polar, at codon 4042 of the APOB protein (p.Glu4042Asp). This variant is not present in population databases (gnomAD no frequency). This variant has not been reported in the literature in individuals affected with APOB-related conditions. Advanced modeling of protein sequence and biophysical properties (such as structural, functional, and spatial information, amino acid conservation, physicochemical variation, residue mobility, and thermodynamic stability) performed at Invitae indicates that this missense variant is not expected to disrupt APOB protein function. In summary, the available evidence is currently insufficient to determine the role of this variant in disease. Therefore, it has been classified as a Variant of Uncertain Significance.